The following is an entry in ClinVar:

NM_015346.4(ZFYVE26):c.558C>T (p.His186=)

Gene: ZFYVE26 (zinc finger FYVE-type containing 26; minus strand). Cytogenetic location: 14q24.1.
Variant type: single nucleotide variant.
Coding change: c.558C>T on transcript NM_015346.4 (MANE Select); coding-DNA position 558, C replaced by T.
Protein change: p.His186=; no amino-acid change (histidine 186 retained).
Molecular consequence: synonymous variant.
Genome position (GRCh38, 1-based): chr14:67,807,726, G>A on the plus strand (C>T on the coding strand, the complement: ZFYVE26 is on the minus strand). VCF-style: chr14-67807726-G-A. GRCh37 (hg19) VCF-style: chr14-68274443-G-A.
Identifiers: ClinVar variation 1140240 (VCV001140240.13), dbSNP rs190946830, ClinGen allele CA7240771.

ClinVar aggregate classification (germline): Likely benign. Review status: criteria provided, multiple submitters, no conflicts (2 of 4 stars). 2 submissions from 2 submitters: Likely benign (2). Last evaluated 2026-02-01.

Conditions:
Spastic paraplegia. Identifiers: MedGen C0037772, HP:0001258.

Allele frequency attached by ClinVar (database versions not stated): gnomAD exomes 0.00001 and 0.00003; ExAC 0.00002; TOPMed 0.00005; gnomAD 0.00010; 1000 Genomes Project 30x 0.00016; 1000 Genomes Project 0.00020.
gnomAD v4.1: 34 of 1,614,196 alleles (0.0021%); highest among the groups gnomAD compares: Admixed American, 0.053%; no homozygotes.

Submissions (2):

CeGaT Center for Human Genetics Tuebingen
Classification: Likely benign. Last evaluated: 2026-02-01. Review status: criteria provided, single submitter. Criteria: CeGaT Center For Human Genetics Tuebingen Variant Classification Criteria Version 2. Collection method: clinical testing. Allele origin: germline. Affected: yes. Observed: 1 variant allele.
Comment: ZFYVE26: BP4, BP7

Labcorp Genetics (formerly Invitae), Labcorp
Classification: Likely benign for Spastic paraplegia. Last evaluated: 2024-11-27. Review status: criteria provided, single submitter. Criteria: Invitae Variant Classification Sherloc (09022015). Collection method: clinical testing. Allele origin: germline.